The following is an entry in ClinVar:

NM_000287.4(PEX6):c.2701G>A (p.Val901Met)

Gene: PEX6 (peroxisomal biogenesis factor 6; minus strand). Cytogenetic location: 6p21.1.
Variant type: single nucleotide variant.
Coding change: c.2701G>A on transcript NM_000287.4 (MANE Select); coding-DNA position 2701, G replaced by A.
Protein change: p.Val901Met; replaces valine 901 with methionine.
Molecular consequence: missense variant. On other transcripts: non-coding transcript variant (1).
Genome position (GRCh38, 1-based): chr6:42,964,895, C>T on the plus strand (G>A on the coding strand, the complement: PEX6 is on the minus strand). VCF-style: chr6-42964895-C-T. GRCh37 (hg19) VCF-style: chr6-42932633-C-T.
Other names: c.2701G>A (NM_000287.3); c.2437G>A, p.Val813Met (NM_001316313.2); short protein forms V901M, V813M.
Identifiers: ClinVar variation 1425272 (VCV001425272.6), dbSNP rs766523042, ClinGen allele CA3810928.

ClinVar aggregate classification (germline): Uncertain significance. Review status: criteria provided, multiple submitters, no conflicts (2 of 4 stars). 3 submissions from 3 submitters: Uncertain significance (3). Last evaluated 2024-07-09.

Conditions:
Peroxisome biogenesis disorder. Identifiers: Orphanet 79189, MedGen C1832200, MONDO:0019234. Disease mechanism: loss of function.
Inborn genetic diseases. Identifiers: MedGen C0950123, MeSH D030342.
Heimler syndrome 2 (HMLR2). Also called: PEROXISOME BIOGENESIS DISORDER 4C. Identifiers: Orphanet 3220, MedGen C4225267, OMIM 616617, MONDO:0014709.

Allele frequency attached by ClinVar (database versions not stated): ExAC 0.00001; gnomAD exomes 0.00001 and 0.00003; gnomAD 0.00002 and 0.00003; TOPMed 0.00002.

Submissions (3):

Ambry Genetics
Classification: Uncertain significance for Inborn genetic diseases. Last evaluated: 2024-07-09. Review status: criteria provided, single submitter. Criteria: Ambry Variant Classification Scheme 2023. Collection method: clinical testing. Allele origin: germline.

Medical Molecular Genetics Department, National Research Center
Classification: Uncertain significance for Heimler syndrome 2. Last evaluated: 2024-01-02. Review status: criteria provided, single submitter. Criteria: ACMG Guidelines, 2015. Collection method: clinical testing. Allele origin: germline. Affected: yes.
Comment: PM2

Labcorp Genetics (formerly Invitae), Labcorp
Classification: Uncertain significance for Peroxisome biogenesis disorder. Last evaluated: 2022-06-29. Review status: criteria provided, single submitter. Criteria: Invitae Variant Classification Sherloc (09022015). Collection method: clinical testing. Allele origin: germline.
Comment: This sequence change replaces valine, which is neutral and non-polar, with methionine, which is neutral and non-polar, at codon 901 of the PEX6 protein (p.Val901Met). This variant is present in population databases (rs766523042, gnomAD 0.002%). This variant has not been reported in the literature in individuals affected with PEX6-related conditions. Algorithms developed to predict the effect of missense changes on protein structure and function are either unavailable or do not agree on the potential impact of this missense change (SIFT: "Deleterious"; PolyPhen-2: "Probably Damaging"; Align-GVGD: "Class C0"). In summary, the available evidence is currently insufficient to determine the role of this variant in disease. Therefore, it has been classified as a Variant of Uncertain Significance.